The following is an entry in ClinVar:

ClinVar aggregate classification (germline): Conflicting classifications of pathogenicity. Review status: criteria provided, conflicting classifications (1 of 4 stars). 2 submissions from 2 submitters: Uncertain significance (1); Likely benign (1). Last evaluated 2026-03-27.

gnomAD v4.1: 7 of 1,604,052 alleles (0.00044%); highest among the groups gnomAD compares: Middle Eastern, 0.017%; no homozygotes.

Submissions (2):

Molecular Diagnostic Laboratory for Inherited Cardiovascular Disease, Montreal Heart Institute
Classification: Likely benign. Last evaluated: 2026-03-27. Review status: criteria provided, single submitter. Criteria: ACMG Guidelines, 2015. Collection method: clinical testing. Allele origin: germline. Affected: no.
Comment: BP1

CeGaT Center for Human Genetics Tuebingen
Classification: Uncertain significance. Last evaluated: 2023-09-01. Review status: criteria provided, single submitter. Criteria: CeGaT Center For Human Genetics Tuebingen Variant Classification Criteria Version 2. Collection method: clinical testing. Allele origin: germline. Affected: yes. Observed: 1 variant allele.
Comment: TTN: PM2

NM_001267550.2(TTN):c.29954C>T (p.Thr9985Ile)

Gene: TTN (titin; minus strand). Cytogenetic location: 2q31.2.
Variant type: single nucleotide variant.
Coding change: c.29954C>T on transcript NM_001267550.2 (MANE Select); coding-DNA position 29954, C replaced by T.
Protein change: p.Thr9985Ile; replaces threonine 9985 with isoleucine.
Molecular consequence: missense variant. On other transcripts: intron variant (3).
Genome position (GRCh38, 1-based): chr2:178,704,518, G>A on the plus strand (C>T on the coding strand, the complement: TTN is on the minus strand). VCF-style: chr2-178704518-G-A. GRCh37 (hg19) VCF-style: chr2-179569245-G-A.
Other names: c.29003C>T, p.Thr9668Ile (NM_001256850.1); c.26222C>T, p.Thr8741Ile (NM_133378.4); c.13282+33564C>T (NM_003319.4); c.13858+33564C>T (NM_133437.4); c.13657+33564C>T (NM_133432.3); short protein forms T8741I, T9668I, T9985I.
Identifiers: ClinVar variation 2651672 (VCV002651672.24), dbSNP rs1339300021, ClinGen allele CA349576785.